The following is an entry in ClinVar:

NM_000540.3(RYR1):c.7482_7483del (p.Val2495fs)

Gene: RYR1 (ryanodine receptor 1; plus strand). Cytogenetic location: 19q13.2.
Variant type: Deletion.
Coding change: c.7482_7483del on transcript NM_000540.3 (MANE Select); coding-DNA positions 7482 to 7483, 2 bases deleted (CG; older notation c.7482_7483delCG).
Protein change: p.Val2495fs; shifts the reading frame from valine 2495.
Molecular consequence: frameshift variant.
Genome position (GRCh38, 1-based): chr19:38,500,858-38,500,859, CG deleted. VCF-style (leftmost placement, unchanged base first): chr19-38500857-TCG-T. GRCh37 (hg19) VCF-style: chr19-38991497-TCG-T.
Other names: c.7482_7483del, p.Val2495fs (NM_001042723.2); short protein forms V2495fs.
Identifiers: ClinVar variation 3072009 (VCV003072009.1), dbSNP rs1970082463, ClinGen allele CA995716251.
Genomic context (GRCh38, chr19:38,500,857, plus strand): 5'-CGAACCCACCCTCCCTGCCTGCAGATGGGGCTCTGGTGCAGCCAAAGATGTCAGCATCCT[TCG>T]TGCCGGACCACAAGGCGTCCATGGTGCTCTTCCTGGACCGTGTGTATGGCATCGAGAACC-3'

ClinVar aggregate classification (germline): Uncertain significance (1 of 4 stars; one submission).

Conditions:
Malignant hyperthermia, susceptibility to, 1 (MHS1). Also called: Anesthesia related hyperthermia; Malignant hyperpyrexia; Fulminating hyperpyrexia; Pharmacogenic myopathy; RYR1-Related Malignant Hyperthermia Susceptibility; Malignant hyperthermia suceptibility 1. Identifiers: Orphanet 423, MedGen C2930980, MONDO:0007783, OMIM 145600.

Allele frequency attached by ClinVar (database versions not stated): gnomAD 0.00001.

Submission:

All of Us Research Program, National Institutes of Health
Classification: Uncertain significance for Malignant hyperthermia, susceptibility to, 1. Last evaluated: 2023-06-26. Review status: criteria provided, single submitter. Criteria: ACMG Guidelines, 2015. Collection method: clinical testing. Allele origin: germline. Inheritance: Autosomal dominant inheritance. Observed: 1 variant allele, 1 heterozygote.
Comment: This pathogenicity assessment is for autosomal dominant malignant hyperthermia susceptibility phenotype. This frameshift variant is predicted to result in an absent RYR1 protein product. Loss of RYR1 function due to haploinsufficiency is associated with congenital myopathy, but it is not an established disease mechanism for autosomal dominant malignant hyperthermia susceptibility. Therefore, this variant is classified as a Variant of Uncertain Significance for malignant hyperthermia susceptibility.

This study involves interpretation of variants in research participants for the purpose of population health screening. Participant phenotype was not available at the time of variant classification. Additional details can be found in publication PMID: 35346344, PMCID: PMC8962531